The following is an entry in ClinVar:

NM_031935.3(HMCN1):c.446A>T (p.Asp149Val)

Gene: HMCN1 (hemicentin 1; plus strand). Cytogenetic location: 1q31.1.
Variant type: single nucleotide variant.
Coding change: c.446A>T on transcript NM_031935.3 (MANE Select); coding-DNA position 446, A replaced by T.
Protein change: p.Asp149Val; replaces aspartic acid 149 with valine.
Molecular consequence: missense variant.
Genome position (GRCh38, 1-based): chr1:185,864,576, A>T. VCF-style: chr1-185864576-A-T. GRCh37 (hg19) VCF-style: chr1-185833708-A-T.
Other names: short protein forms D149V.
Identifiers: ClinVar variation 2748861 (VCV002748861.3), dbSNP rs1663064918, ClinGen allele CA343866339.

ClinVar aggregate classification (germline): Uncertain significance (1 of 4 stars; one submission).

Allele frequency attached by ClinVar (database versions not stated): gnomAD exomes below 0.00001; TOPMed below 0.00001.
gnomAD v4.1: 1 of 1,614,078 alleles (0.000062%); highest among the groups gnomAD compares: Non-Finnish European, 0.000085%; no homozygotes.

Submission:

Labcorp Genetics (formerly Invitae), Labcorp
Classification: Uncertain significance. Last evaluated: 2023-07-31. Review status: criteria provided, single submitter. Criteria: Invitae Variant Classification Sherloc (09022015). Collection method: clinical testing. Allele origin: germline.
Comment: In summary, the available evidence is currently insufficient to determine the role of this variant in disease. Therefore, it has been classified as a Variant of Uncertain Significance. An algorithm developed to predict the effect of missense changes on protein structure and function (PolyPhen-2) suggests that this variant is likely to be disruptive. This variant has not been reported in the literature in individuals affected with HMCN1-related conditions. This variant is not present in population databases (gnomAD no frequency). This sequence change replaces aspartic acid, which is acidic and polar, with valine, which is neutral and non-polar, at codon 149 of the HMCN1 protein (p.Asp149Val).